The following is an entry in ClinVar:

ClinVar aggregate classification (germline): Likely benign (0 of 4 stars; one submission).

Conditions:
INTS6-related disorder. Also called: INTS6-related condition.

Allele frequency attached by ClinVar (database versions not stated): gnomAD exomes 0.00045; gnomAD 0.00080; TOPMed 0.00102; ExAC 0.00173; 1000 Genomes Project 30x 0.00484; 1000 Genomes Project 0.00499.
gnomAD v4.1: 843 of 1,613,404 alleles (0.052%); highest among the groups gnomAD compares: East Asian, 1.6%; 21 homozygotes.

Submission:

PreventionGenetics, part of Exact Sciences
Classification: Likely benign for INTS6-related condition. Last evaluated: 2019-04-11. Review status: no assertion criteria provided. Collection method: clinical testing. Allele origin: germline.
Comment: This variant is classified as likely benign based on ACMG/AMP sequence variant interpretation guidelines (Richards et al. 2015 PMID: 25741868, with internal and published modifications).

NM_012141.3(INTS6):c.1554C>T (p.Asp518=)

Gene: INTS6 (integrator complex subunit 6; minus strand). Cytogenetic location: 13q14.3.
Variant type: single nucleotide variant.
Coding change: c.1554C>T on transcript NM_012141.3 (MANE Select); coding-DNA position 1554, C replaced by T.
Protein change: p.Asp518=; no amino-acid change (aspartic acid 518 retained).
Molecular consequence: synonymous variant.
Genome position (GRCh38, 1-based): chr13:51,378,287, G>A on the plus strand (C>T on the coding strand, the complement: INTS6 is on the minus strand). VCF-style: chr13-51378287-G-A. GRCh37 (hg19) VCF-style: chr13-51952423-G-A.
Other names: c.1515C>T, p.Asp505= (NM_001039937.2); c.1020C>T, p.Asp340= (NM_001306091.2).
Identifiers: ClinVar variation 3049141 (VCV003049141.2), dbSNP rs140156322, ClinGen allele CA6986897.